The following is an entry in ClinVar:

ClinVar aggregate classification (germline): Uncertain significance. Review status: criteria provided, multiple submitters, no conflicts (2 of 4 stars). 2 submissions from 2 submitters: Uncertain significance (2). Last evaluated 2025-05-13.

Conditions:
CEP164-related disorder. Also called: CEP164-related condition.

gnomAD v4.1: 3 of 1,614,100 alleles (0.00019%); highest among the groups gnomAD compares: Non-Finnish European, 0.00025%; no homozygotes.

Submissions (2):

PreventionGenetics, part of Exact Sciences
Classification: Uncertain significance for CEP164-related condition. Last evaluated: 2025-05-13. Review status: criteria provided, single submitter. Criteria: ACMG Guidelines, 2015. Collection method: clinical testing. Allele origin: germline.
Comment: The CEP164 c.2728C>T variant is predicted to result in the amino acid substitution p.Leu910Phe. To our knowledge, this variant has not been reported in the literature. This variant is reported in 0.00088% of alleles in individuals of European (Non-Finnish) descent in gnomAD. At this time, the clinical significance of this variant is uncertain due to the absence of conclusive functional and genetic evidence.

Blueprint Genetics
Classification: Uncertain significance. Last evaluated: 2018-07-04. Review status: criteria provided, single submitter. Criteria: ACMG Guidelines, 2015. Collection method: clinical testing. Allele origin: germline.

NM_014956.5(CEP164):c.2728C>T (p.Leu910Phe)

Gene: CEP164 (centrosomal protein 164; plus strand). Cytogenetic location: 11q23.3.
Variant type: single nucleotide variant.
Coding change: c.2728C>T on transcript NM_014956.5 (MANE Select); coding-DNA position 2728, C replaced by T.
Protein change: p.Leu910Phe; replaces leucine 910 with phenylalanine.
Molecular consequence: missense variant.
Genome position (GRCh38, 1-based): chr11:117,394,461, C>T. VCF-style: chr11-117394461-C-T. GRCh37 (hg19) VCF-style: chr11-117265177-C-T.
Other names: c.2728C>T (NM_014956.4); c.2569C>T, p.Leu857Phe (NM_001440972.1); c.2503C>T, p.Leu835Phe (NM_001440973.1, NM_001440974.1, NM_001440975.1 and 6 more transcripts); c.2518C>T, p.Leu840Phe (NM_001440978.1); c.2737C>T, p.Leu913Phe (NM_001271933.2, NM_001440949.1); c.2728C>T, p.Leu910Phe (NM_001440950.1, NM_001440951.1, NM_001440953.1); c.2563C>T, p.Leu855Phe (NM_001440952.1, NM_001440968.1, NM_001440969.1); c.2650C>T, p.Leu884Phe (NM_001440954.1, NM_001440955.1, NM_001440958.1 and 1 more transcripts); and 8 more; short protein forms L835F, L861F, L840F, L785F, L791F, L814F, L867F, L881F.
Identifiers: ClinVar variation 4914145 (VCV004914145.2).